The following is an entry in ClinVar:

ClinVar aggregate classification (germline): Uncertain significance (1 of 4 stars; one submission).

Conditions:
Gorlin syndrome. Also called: Nevoid Basal Cell Carcinoma Syndrome; Basal cell nevus syndrome. Identifiers: Orphanet 377, MedGen C0004779, MONDO:0007187.

Allele frequency attached by ClinVar (database versions not stated): gnomAD exomes below 0.00001.

Submission:

Labcorp Genetics (formerly Invitae), Labcorp
Classification: Uncertain significance for Gorlin syndrome. Last evaluated: 2024-02-06. Review status: criteria provided, single submitter. Criteria: Invitae Variant Classification Sherloc (09022015). Collection method: clinical testing. Allele origin: germline.
Comment: This sequence change falls in intron 7 of the PTCH1 gene. It does not directly change the encoded amino acid sequence of the PTCH1 protein. It affects a nucleotide within the consensus splice site. This variant is present in population databases (no rsID available, gnomAD 0.003%). This variant has not been reported in the literature in individuals affected with PTCH1-related conditions. ClinVar contains an entry for this variant (Variation ID: 1004309). Variants that disrupt the consensus splice site are a relatively common cause of aberrant splicing (PMID: 17576681, 9536098). Algorithms developed to predict the effect of sequence changes on RNA splicing suggest that this variant is not likely to affect RNA splicing. In summary, the available evidence is currently insufficient to determine the role of this variant in disease. Therefore, it has been classified as a Variant of Uncertain Significance.

Literature cited by the submitters: PubMed 17576681; PubMed 9536098.

NM_000264.5(PTCH1):c.1067+6C>G

Gene: PTCH1 (patched 1; minus strand). Cytogenetic location: 9q22.32.
Variant type: single nucleotide variant.
Coding change: c.1067+6C>G on transcript NM_000264.5 (MANE Select); 6 bases into the intron after coding-DNA position 1067, C replaced by G.
Molecular consequence: intron variant.
Genome position (GRCh38, 1-based): chr9:95,479,963, G>C on the plus strand (C>G on the coding strand, the complement: PTCH1 is on the minus strand). VCF-style: chr9-95479963-G-C. GRCh37 (hg19) VCF-style: chr9-98242245-G-C.
Other names: c.1064+6C>G (NM_001083603.3); c.869+6C>G (NM_001083602.3); c.1067+6C>G (NM_001354918.2); c.614+6C>G (NM_001083605.3, NM_001083604.3, NM_001083606.3 and 1 more transcripts).
Identifiers: ClinVar variation 1004309 (VCV001004309.9), dbSNP rs1256541464, ClinGen allele CA589267363.
Genomic context (GRCh38, chr9:95,479,963, plus strand): 5'-GGGAAGTGGCTTTTGAGGAAAGGAAGAAGACTACAGGGCATAGATTGTCCTCGGGAGCTG[G>C]CTTACCTGACGAGTTTTCCAGTGCTGTTCTTGACTGTGCCACCCACAATCAACTCCTCCT-3'